The following is an entry in ClinVar:

ClinVar aggregate classification (germline): Conflicting classifications of pathogenicity. Review status: criteria provided, conflicting classifications (1 of 4 stars). 3 submissions from 3 submitters: Uncertain significance (2); Likely benign (1). Last evaluated 2023-12-21.

Allele frequency attached by ClinVar (database versions not stated): ESP Exome Variant Server 0.00015.
gnomAD v4.1: 55 of 1,608,796 alleles (0.0034%); highest among the groups gnomAD compares: East Asian, 0.018%; no homozygotes.

Submissions (3):

Labcorp Genetics (formerly Invitae), Labcorp
Classification: Likely benign. Last evaluated: 2023-12-21. Review status: criteria provided, single submitter. Criteria: Invitae Variant Classification Sherloc (09022015). Collection method: clinical testing. Allele origin: germline.

Blueprint Genetics
Classification: Uncertain significance. Last evaluated: 2023-05-10. Review status: criteria provided, single submitter. Criteria: ACMG Guidelines, 2015. Collection method: clinical testing. Allele origin: germline.

Women's Health and Genetics/Laboratory Corporation of America, LabCorp
Classification: Uncertain significance. Last evaluated: 2023-02-21. Review status: criteria provided, single submitter. Criteria: LabCorp Variant Classification Summary - May 2015. Collection method: clinical testing. Allele origin: germline.
Comment: Variant summary: OTOF c.2765G>T (p.Arg922Leu) results in a non-conservative amino acid change in the encoded protein sequence. Three of five in-silico tools predict a damaging effect of the variant on protein function. The variant allele was found at a frequency of 1.6e-05 in 244896 control chromosomes. The available data on variant occurrences in the general population are insufficient to allow any conclusion about variant significance. c.2765G>T has been reported in the literature in an individual affected with Autosomal recessive non-syndromic hearing loss (Sloan-Heggen_2016). This report dooes not provide unequivocal conclusions about association of the variant with Nonsyndromic Hearing Loss And Deafness, Type 9. To our knowledge, no experimental evidence demonstrating an impact on protein function has been reported. No clinical diagnostic laboratories have submitted clinical-significance assessments for this variant to ClinVar after 2014. Based on the evidence outlined above, the variant was classified as uncertain significance.

Literature cited by the submitters: PubMed 26969326 (cited by Women's Health and Genetics/Laboratory Corporation of America, LabCorp).

NM_194248.3(OTOF):c.2765G>T (p.Arg922Leu)

Gene: OTOF (otoferlin; minus strand). Cytogenetic location: 2p23.3.
Variant type: single nucleotide variant.
Coding change: c.2765G>T on transcript NM_194248.3 (MANE Select); coding-DNA position 2765, G replaced by T.
Protein change: p.Arg922Leu; replaces arginine 922 with leucine.
Molecular consequence: missense variant.
Genome position (GRCh38, 1-based): chr2:26,476,229, C>A on the plus strand (G>T on the coding strand, the complement: OTOF is on the minus strand). VCF-style: chr2-26476229-C-A. GRCh37 (hg19) VCF-style: chr2-26699097-C-A.
Other names: c.2765G>T, p.Arg922Leu (NM_001287489.2); c.524G>T, p.Arg175Leu (NM_004802.4, NM_194323.3); c.695G>T, p.Arg232Leu (NM_194322.3); c.2765G>T (NM_194248.2); short protein forms R175L, R232L, R922L.
Identifiers: ClinVar variation 2445942 (VCV002445942.5), dbSNP rs148094939, ClinGen allele CA1563780.
Genomic context (GRCh38, chr2:26,476,229, plus strand): 5'-AGGCCCTGGGCTGCCTTGACCTCCTGGAAGCCACAGGGCAGGCCGCACAGGAACTCCTTG[C>A]GCTGTTTGCTGAGGCCCAGCCACAGGTACAGCTCCACCTTGGCCTGCACTGTCCAGCCTG-3'
Protein context (NP_919224.1, residues 912-932): LYLWLGLSKQ[Arg922Leu]KEFLCGLPCG